The following is an entry in ClinVar:

ClinVar aggregate classification (germline): Likely benign. Review status: criteria provided, multiple submitters, no conflicts (2 of 4 stars). 2 submissions from 2 submitters: Likely benign (2). Last evaluated 2022-03-25.

Conditions:
Rhabdoid tumor predisposition syndrome 2 (RTPS2). Identifiers: Orphanet 231108, Orphanet 69077, MedGen C2750074, MONDO:0013224, OMIM 613325.

Allele frequency attached by ClinVar (database versions not stated): gnomAD exomes below 0.00001.
gnomAD v4.1: 2 of 1,547,684 alleles (0.00013%); highest among the groups gnomAD compares: Non-Finnish European, 0.000087%; no homozygotes.

Submissions (2):

Labcorp Genetics (formerly Invitae), Labcorp
Classification: Likely benign for Rhabdoid tumor predisposition syndrome 2. Last evaluated: 2022-03-25. Review status: criteria provided, single submitter. Criteria: Invitae Variant Classification Sherloc (09022015). Collection method: clinical testing. Allele origin: germline.

GeneDx
Classification: Likely benign. Last evaluated: 2017-03-07. Review status: criteria provided, single submitter. Criteria: GeneDx Variant Classification (06012015). Collection method: clinical testing. Allele origin: germline. Affected: yes.
Comment: This variant is considered likely benign or benign based on one or more of the following criteria: it is a conservative change, it occurs at a poorly conserved position in the protein, it is predicted to be benign by multiple in silico algorithms, and/or has population frequency not consistent with disease.

NM_003072.5(SMARCA4):c.3952-11C>T

Gene: SMARCA4 (SWI/SNF related BAF chromatin remodeling complex subunit ATPase 4; plus strand). Cytogenetic location: 19p13.2.
Variant type: single nucleotide variant.
Coding change: c.3952-11C>T on transcript NM_003072.5 (MANE Select); 11 bases into the intron before coding-DNA position 3952, C replaced by T.
Molecular consequence: intron variant.
Genome position (GRCh38, 1-based): chr19:11,034,903, C>T. VCF-style: chr19-11034903-C-T. GRCh37 (hg19) VCF-style: chr19-11145579-C-T.
Other names: c.3952-11C>T (NM_001128844.3, NM_001128849.3, NM_001387283.1); c.3853-11C>T (NM_001128847.4, NM_001374457.1, NM_001128845.2 and 2 more transcripts).
Identifiers: ClinVar variation 507854 (VCV000507854.5), dbSNP rs1555785321, ClinGen allele CA658799131.